The following is an entry in ClinVar:

NM_001372.4(DNAH9):c.9059C>T (p.Thr3020Ile)

Gene: DNAH9 (dynein axonemal heavy chain 9; plus strand). Cytogenetic location: 17p12.
Variant type: single nucleotide variant.
Coding change: c.9059C>T on transcript NM_001372.4 (MANE Select); coding-DNA position 9059, C replaced by T.
Protein change: p.Thr3020Ile; replaces threonine 3020 with isoleucine.
Molecular consequence: missense variant.
Genome position (GRCh38, 1-based): chr17:11,822,847, C>T. VCF-style: chr17-11822847-C-T. GRCh37 (hg19) VCF-style: chr17-11726164-C-T.
Other names: short protein forms T3020I.
Identifiers: ClinVar variation 2110860 (VCV002110860.4), dbSNP rs367932061, ClinGen allele CA8397127.

ClinVar aggregate classification (germline): Uncertain significance (1 of 4 stars; one submission).

Allele frequency attached by ClinVar (database versions not stated): ExAC 0.00001; gnomAD exomes 0.00001; TOPMed 0.00001; ESP Exome Variant Server 0.00008.
gnomAD v4.1: 8 of 1,614,232 alleles (0.0005%); highest among the groups gnomAD compares: Non-Finnish European, 0.000085%; no homozygotes.

Submission:

Labcorp Genetics (formerly Invitae), Labcorp
Classification: Uncertain significance. Last evaluated: 2022-05-27. Review status: criteria provided, single submitter. Criteria: Invitae Variant Classification Sherloc (09022015). Collection method: clinical testing. Allele origin: germline.
Comment: This sequence change replaces threonine, which is neutral and polar, with isoleucine, which is neutral and non-polar, at codon 3020 of the DNAH9 protein (p.Thr3020Ile). This variant is present in population databases (rs367932061, gnomAD 0.04%). This variant has not been reported in the literature in individuals affected with DNAH9-related conditions. Algorithms developed to predict the effect of missense changes on protein structure and function output the following: SIFT: "Tolerated"; PolyPhen-2: "Benign"; Align-GVGD: "Class C0". The isoleucine amino acid residue is found in multiple mammalian species, which suggests that this missense change does not adversely affect protein function. In summary, the available evidence is currently insufficient to determine the role of this variant in disease. Therefore, it has been classified as a Variant of Uncertain Significance.